The following is an entry in ClinVar:

NM_001378477.3(NYX):c.419_420delinsAA (p.Cys140Ter)

Gene: NYX (nyctalopin; plus strand). Cytogenetic location: Xp11.4.
Variant type: Indel.
Coding change: c.419_420delinsAA on transcript NM_001378477.3 (MANE Select); coding-DNA positions 419 to 420, GC replaced by AA.
Protein change: p.Cys140Ter; replaces cysteine 140 with a stop codon.
Molecular consequence: nonsense.
Genome position (GRCh38, 1-based): chrX:41,473,887-41,473,888, GC replaced by AA. VCF-style: chrX-41473887-GC-AA. GRCh37 (hg19) VCF-style: chrX-41333140-GC-AA.
Other names: c.419_420delinsAA, p.Cys140Ter (NM_022567.3); short protein forms C140*.
Identifiers: ClinVar variation 1710009 (VCV001710009.2), dbSNP rs2519607262, ClinGen allele CA2580101730.

ClinVar aggregate classification (germline): Likely pathogenic (1 of 4 stars; one submission).

Conditions:
Congenital stationary night blindness 1A (CSNB1A). Also called: CSNB, COMPLETE, X-LINKED; NYX-Related X-Linked Congenital Stationary Night Blindness; HEMERALOPIA-MYOPIA; MYOPIA-NIGHT BLINDNESS; NIGHT BLINDNESS, CONGENITAL STATIONARY, WITH MYOPIA; Night blindness, congenital stationary (complete), 1A, X-linked. Identifiers: Orphanet 215, MedGen C3495587, MONDO:0010690, OMIM 310500.

Submission:

MGZ Medical Genetics Center
Classification: Likely pathogenic for Congenital stationary night blindness 1A. Last evaluated: 2021-10-18. Review status: criteria provided, single submitter. Criteria: ACMG Guidelines, 2015. Collection method: clinical testing. Allele origin: germline. Affected: yes. Observed: 2 variant alleles.
Comment: ACMG criteria applied: PVS1, PM2_SUP